The following is an entry in ClinVar:

NM_001184880.2(PCDH19):c.1177C>T (p.Pro393Ser)

Gene: PCDH19 (protocadherin 19; minus strand). Cytogenetic location: Xq22.1.
Variant type: single nucleotide variant.
Coding change: c.1177C>T on transcript NM_001184880.2 (MANE Select); coding-DNA position 1177, C replaced by T.
Protein change: p.Pro393Ser; replaces proline 393 with serine.
Molecular consequence: missense variant.
Genome position (GRCh38, 1-based): chrX:100,407,421, G>A on the plus strand (C>T on the coding strand, the complement: PCDH19 is on the minus strand). VCF-style: chrX-100407421-G-A. GRCh37 (hg19) VCF-style: chrX-99662419-G-A.
Other names: c.1177C>T, p.Pro393Ser (NM_001105243.2, NM_020766.3); c.1177C>T (NM_001184880.1); short protein forms P393S.
Identifiers: ClinVar variation 1486576 (VCV001486576.7), dbSNP rs775774922, ClinGen allele CA10468913.

ClinVar aggregate classification (germline): Uncertain significance. Review status: criteria provided, multiple submitters, no conflicts (2 of 4 stars). 2 submissions from 2 submitters: Uncertain significance (2). Last evaluated 2023-03-17.

Conditions:
Developmental and epileptic encephalopathy, 9 (DEE9). Also called: Early infantile epileptic encephalopathy 9; EPILEPSY, FEMALE-RESTRICTED, WITH MENTAL RETARDATION; JUBERG-HELLMAN SYNDROME; PCDH19-Related X-Linked Female-Limited Epilepsy with Mental Retardation. Identifiers: Orphanet 101039, Orphanet 2076, MedGen C1848137, MONDO:0010246, OMIM 300088. Disease mechanism: loss of function.

Allele frequency attached by ClinVar (database versions not stated): gnomAD exomes 0.00001 and below 0.00001; ExAC 0.00001.
gnomAD v4.1: 2 of 1,212,071 alleles (0.00017%); highest among the groups gnomAD compares: Non-Finnish European, 0.00022%; no homozygotes.

Submissions (2):

GeneDx
Classification: Uncertain significance. Last evaluated: 2023-03-17. Review status: criteria provided, single submitter. Criteria: GeneDx Variant Classification Process June 2021. Collection method: clinical testing. Allele origin: germline. Affected: yes.
Comment: Not observed at significant frequency in large population cohorts (gnomAD); In silico analysis supports that this missense variant has a deleterious effect on protein structure/function; Missense variants in this gene are often considered pathogenic (HGMD); Has not been previously published as pathogenic or benign to our knowledge

Labcorp Genetics (formerly Invitae), Labcorp
Classification: Uncertain significance for Developmental and epileptic encephalopathy, 9. Last evaluated: 2021-09-01. Review status: criteria provided, single submitter. Criteria: Invitae Variant Classification Sherloc (09022015). Collection method: clinical testing. Allele origin: germline.
Comment: In summary, the available evidence is currently insufficient to determine the role of this variant in disease. Therefore, it has been classified as a Variant of Uncertain Significance. Advanced modeling of protein sequence and biophysical properties (such as structural, functional, and spatial information, amino acid conservation, physicochemical variation, residue mobility, and thermodynamic stability) performed at Invitae indicates that this missense variant is expected to disrupt PCDH19 protein function. This variant has not been reported in the literature in individuals affected with PCDH19-related conditions. The frequency data for this variant in the population databases is considered unreliable, as metrics indicate poor data quality at this position in the ExAC database. This sequence change replaces proline with serine at codon 393 of the PCDH19 protein (p.Pro393Ser). The proline residue is highly conserved and there is a moderate physicochemical difference between proline and serine.